The following is an entry in ClinVar:

ClinVar aggregate classification (germline): Uncertain significance (1 of 4 stars; one submission).

Allele frequency attached by ClinVar (database versions not stated): TOPMed below 0.00001.

Submission:

Ambry Genetics
Classification: Uncertain significance. Last evaluated: 2023-10-10. Review status: criteria provided, single submitter. Criteria: Ambry Variant Classification Scheme 2023. Collection method: clinical testing. Allele origin: germline.
Comment: The p.V443A variant (also known as c.1328T>C), located in coding exon 3 of the ALPK2 gene, results from a T to C substitution at nucleotide position 1328. The valine at codon 443 is replaced by alanine, an amino acid with similar properties. This amino acid position is conserved. In addition, this alteration is predicted to be tolerated by in silico analysis. Since supporting evidence is limited at this time, the clinical significance of this alteration remains unclear.

NM_052947.4(ALPK2):c.1328T>C (p.Val443Ala)

Gene: ALPK2 (alpha kinase 2; minus strand). Cytogenetic location: 18q21.31.
Variant type: single nucleotide variant.
Coding change: c.1328T>C on transcript NM_052947.4 (MANE Select); coding-DNA position 1328, T replaced by C.
Protein change: p.Val443Ala; replaces valine 443 with alanine.
Molecular consequence: missense variant.
Genome position (GRCh38, 1-based): chr18:58,579,448, A>G on the plus strand (T>C on the coding strand, the complement: ALPK2 is on the minus strand). VCF-style: chr18-58579448-A-G. GRCh37 (hg19) VCF-style: chr18-56246680-A-G.
Other names: short protein forms V443A.
Identifiers: ClinVar variation 3228567 (VCV003228567.1), dbSNP rs1276128647, ClinGen allele CA402563496.